The following is an entry in ClinVar:

NM_005751.5(AKAP9):c.6551A>G (p.Glu2184Gly)

Gene: AKAP9 (A-kinase anchoring protein 9; plus strand). Cytogenetic location: 7q21.2.
Variant type: single nucleotide variant.
Coding change: c.6551A>G on transcript NM_005751.5 (MANE Select); coding-DNA position 6551, A replaced by G.
Protein change: p.Glu2184Gly; replaces glutamic acid 2184 with glycine.
Molecular consequence: missense variant.
Genome position (GRCh38, 1-based): chr7:92,070,948, A>G. VCF-style: chr7-92070948-A-G. GRCh37 (hg19) VCF-style: chr7-91700262-A-G.
Other names: c.1196A>G, p.Glu399Gly (NM_001379277.1); c.6527A>G, p.Glu2176Gly (NM_147185.3); short protein forms E2184G, E399G, E2176G.
Identifiers: ClinVar variation 1754165 (VCV001754165.4), dbSNP rs760453118, ClinGen allele CA4337111.
Genomic context (GRCh38, chr7:92,070,948, plus strand): 5'-TTTTTATATATTTAAAGGTAGAGGACCGAAAACACTTTGGAGCTGTAGAAGCTAAACCAG[A>G]ATTGTCCCTAGAAGTACAATTGCAGGCTGAACGAGATGCCATAGACAGAAAGGAAAAAGA-3'
Protein context (NP_005742.4, residues 2174-2194): KHFGAVEAKP[Glu2184Gly]LSLEVQLQAE

ClinVar aggregate classification (germline): Uncertain significance. Review status: criteria provided, multiple submitters, no conflicts (2 of 4 stars). 2 submissions from 2 submitters: Uncertain significance (2). Last evaluated 2024-05-22.

Conditions:
Cardiovascular phenotype. Identifiers: MedGen CN230736.
Long QT syndrome (LQTS). Identifiers: MedGen C0023976, MeSH D008133, MONDO:0002442. Disease mechanism: loss of function. Inheritance: Various modes of inheritance.

Allele frequency attached by ClinVar (database versions not stated): gnomAD exomes below 0.00001; ExAC 0.00001; TOPMed 0.00001.
gnomAD v4.1: 4 of 1,614,110 alleles (0.00025%); highest among the groups gnomAD compares: Non-Finnish European, 0.00034%; no homozygotes.

Submissions (2):

Labcorp Genetics (formerly Invitae), Labcorp
Classification: Uncertain significance for Long QT syndrome. Last evaluated: 2024-05-22. Review status: criteria provided, single submitter. Criteria: Invitae Variant Classification Sherloc (09022015). Collection method: clinical testing. Allele origin: germline.
Comment: This sequence change replaces glutamic acid, which is acidic and polar, with glycine, which is neutral and non-polar, at codon 2184 of the AKAP9 protein (p.Glu2184Gly). This variant is present in population databases (rs760453118, gnomAD 0.002%). This variant has not been reported in the literature in individuals affected with AKAP9-related conditions. ClinVar contains an entry for this variant (Variation ID: 1754165). An algorithm developed to predict the effect of missense changes on protein structure and function (PolyPhen-2) suggests that this variant is likely to be disruptive. In summary, the available evidence is currently insufficient to determine the role of this variant in disease. Therefore, it has been classified as a Variant of Uncertain Significance.

Ambry Genetics
Classification: Uncertain significance for Cardiovascular phenotype. Last evaluated: 2023-11-23. Review status: criteria provided, single submitter. Criteria: Ambry Variant Classification Scheme 2023. Collection method: clinical testing. Allele origin: germline.
Comment: The p.E2184G variant (also known as c.6551A>G), located in coding exon 28 of the AKAP9 gene, results from an A to G substitution at nucleotide position 6551. The glutamic acid at codon 2184 is replaced by glycine, an amino acid with similar properties. This amino acid position is well conserved in available vertebrate species. In addition, this alteration is predicted to be tolerated by in silico analysis. Since supporting evidence is limited at this time, the clinical significance of this alteration remains unclear.